The following is an entry in ClinVar:

NM_000182.5(HADHA):c.1195C>T (p.Arg399Ter)

Genes: GAREM2 (GRB2 associated regulator of MAPK1 subtype 2; plus strand), HADHA (hydroxyacyl-CoA dehydrogenase trifunctional multienzyme complex subunit alpha; minus strand). Cytogenetic location: 2p23.3.
Variant type: single nucleotide variant.
Coding change: c.1195C>T on transcript NM_000182.5 (MANE Select); coding-DNA position 1195, C replaced by T.
Protein change: p.Arg399Ter; replaces arginine 399 with a stop codon.
Molecular consequence: nonsense.
Genome position (GRCh38, 1-based): chr2:26,204,087, G>A on the plus strand (C>T on the coding strand, the complement: HADHA is on the minus strand). VCF-style: chr2-26204087-G-A. GRCh37 (hg19) VCF-style: chr2-26426956-G-A.
Other names: short protein forms R399*.
Identifiers: ClinVar variation 449455 (VCV000449455.23), dbSNP rs1243779049, ClinGen allele CA346128768.

ClinVar aggregate classification (germline): Pathogenic. Review status: criteria provided, multiple submitters, no conflicts (2 of 4 stars). 8 submissions from 8 submitters: Pathogenic (7). 1 of the submissions does not count toward it. Last evaluated 2026-03-15.

Conditions:
HADHA-related disorder. Also called: HADHA-related condition; HADHA-related disorders.
Long chain 3-hydroxyacyl-CoA dehydrogenase deficiency. Also called: Deficiency of long-chain 3-hydroxyacyl-coenzyme A dehydrogenase; LCHAD Deficiency. Identifiers: Orphanet 5, MedGen C3711645, MONDO:0012173, OMIM 609016.
Mitochondrial trifunctional protein deficiency. Identifiers: Orphanet 746, MedGen C1969443, MONDO:0012172.

Allele frequency attached by ClinVar (database versions not stated): gnomAD 0.00001; TOPMed 0.00001.
gnomAD v4.1: 4 of 1,613,766 alleles (0.00025%); highest among the groups gnomAD compares: Non-Finnish European, 0.00034%; no homozygotes.

Submissions (8):

PreventionGenetics, part of Exact Sciences
Classification: Pathogenic for HADHA-related condition. Last evaluated: 2026-03-15. Review status: criteria provided, single submitter. Criteria: ACMG Guidelines, 2015. Collection method: clinical testing. Allele origin: germline.
Comment: The HADHA c.1195C>T variant is predicted to result in premature protein termination (p.Arg399*). This variant was reported in the heterozygous state along with a second pathogenic variant in an individual with mitochondrial trifunctional protein deficiency (Boutron et al. 2011. PubMed ID: 21549624). This variant has not been reported in a large population database (gnomAD), indicating this variant is rare. Nonsense variants in HADHA are expected to be pathogenic. This variant is interpreted as pathogenic.

Labcorp Genetics (formerly Invitae), Labcorp
Classification: Pathogenic for Mitochondrial trifunctional protein deficiency; Long chain 3-hydroxyacyl-CoA dehydrogenase deficiency. Last evaluated: 2025-12-01. Review status: criteria provided, single submitter. Criteria: Invitae Variant Classification Sherloc (09022015). Collection method: clinical testing. Allele origin: germline.
Comment: This sequence change creates a premature translational stop signal (p.Arg399*) in the HADHA gene. It is expected to result in an absent or disrupted protein product. Loss-of-function variants in HADHA are known to be pathogenic (PMID: 7738175, 21103935, 21549624, 22459206). This variant is not present in population databases (gnomAD no frequency). This premature translational stop signal has been observed in individual(s) with mitochondrial trifunctional protein deficiency (PMID: 21549624). ClinVar contains an entry for this variant (Variation ID: 449455). For these reasons, this variant has been classified as Pathogenic.

Natera, Inc.
Classification: Pathogenic for Deficiency of long-chain 3-hydroxyacyl-coenzyme A dehydrogenase. Last evaluated: 2024-11-11. Review status: criteria provided, single submitter. Criteria: Natera Variant Classification Schema (03/2026). Collection method: clinical testing. Allele origin: germline.
Comment: The c.1195C>T variant in HADHA is a nonsense variant predicted to introduce a stop codon at amino acid 399. This variant is expected to result in nonsense mediated decay, truncation, or a dysfunctional protein product. This variant is rare in the general population with a frequency below the threshold expected for the associated phenotype(s). This variant has been observed in one or more individuals affected with the associated recessive disease, as either homozygous or compound heterozygous with a second variant (PMID: 21549624). Given the available evidence, this variant is classified as Pathogenic.

Baylor Genetics
Classification: Pathogenic for Long chain 3-hydroxyacyl-CoA dehydrogenase deficiency. Last evaluated: 2024-02-10. Review status: criteria provided, single submitter. Criteria: ACMG Guidelines, 2015. Collection method: clinical testing. Allele origin: unknown.

GeneDx
Classification: Pathogenic. Last evaluated: 2023-08-15. Review status: criteria provided, single submitter. Criteria: GeneDx Variant Classification Process June 2021. Collection method: clinical testing. Allele origin: germline. Affected: yes.
Comment: Nonsense variant predicted to result in protein truncation or nonsense mediated decay in a gene for which loss of function is a known mechanism of disease; Not observed at significant frequency in large population cohorts (gnomAD); This variant is associated with the following publications: (PMID: 25525159, 21549624, 33610471, 33638202, 33392894)

Genomic Research Center, Shahid Beheshti University of Medical Sciences
Classification: Pathogenic for Mitochondrial trifunctional protein deficiency 1. Last evaluated: 2020-05-03. Review status: criteria provided, single submitter. Criteria: ACMG Guidelines, 2015. Collection method: clinical testing. Allele origin: unknown. Affected: yes.

Women's Health and Genetics/Laboratory Corporation of America, LabCorp
Classification: Pathogenic for Long-chain 3-hydroxyacyl-CoA dehydrogenase deficiency. Last evaluated: 2020-01-13. Review status: criteria provided, single submitter. Criteria: LabCorp Variant Classification Summary - May 2015. Collection method: clinical testing. Allele origin: germline.
Comment: Variant summary: HADHA c.1195C>T (p.Arg399X) results in a premature termination codon, predicted to cause a truncation of the encoded protein or absence of the protein due to nonsense mediated decay, which are commonly known mechanisms for disease. Truncations downstream of this position have been classified as pathogenic by our laboratory. The variant was absent in 251486 control chromosomes. c.1195C>T has been reported in the literature in at-least one individual affected with Long Chain 3-Hydroxyacyl-CoA Dehydrogenase Deficiency who displayed MTP (Mitochondrial Trifunctional Protein) deficiency with a late infantile hepatic phenotype (Boutron_2011). These data support the notion that this variant is very likely associated with disease. To our knowledge, no experimental evidence demonstrating an impact on protein function has been reported although haploinsufficiency has been reported as a major pathomechanism in MTP deficiency (Boutron_2011). Two clinical diagnostic laboratories have submitted clinical-significance assessments for this variant to ClinVar after 2014 without evidence for independent evaluation. All laboratories classified the variant as pathogenic/likely pathogenic. Based on the evidence outlined above, the variant was classified as pathogenic.

Counsyl
Classification: Likely pathogenic for Long chain 3-hydroxyacyl-CoA dehydrogenase deficiency. Last evaluated: 2017-05-12. Review status: no assertion criteria provided. Collection method: clinical testing. Allele origin: unknown. Not counted in ClinVar's aggregate classification.

Literature cited by the submitters: PubMed 7738175 (cited by Labcorp Genetics (formerly Invitae), Labcorp); PubMed 21103935 (cited by Labcorp Genetics (formerly Invitae), Labcorp); PubMed 21549624 (cited by 4 submitters); PubMed 22459206 (cited by Labcorp Genetics (formerly Invitae), Labcorp).